The following is an entry in ClinVar:

NM_001876.4(CPT1A):c.1077G>A (p.Met359Ile)

Gene: CPT1A (carnitine palmitoyltransferase 1A; minus strand). Cytogenetic location: 11q13.3.
Variant type: single nucleotide variant.
Coding change: c.1077G>A on transcript NM_001876.4 (MANE Select); coding-DNA position 1077, G replaced by A.
Protein change: p.Met359Ile; replaces methionine 359 with isoleucine.
Molecular consequence: missense variant.
Genome position (GRCh38, 1-based): chr11:68,784,901, C>T on the plus strand (G>A on the coding strand, the complement: CPT1A is on the minus strand). VCF-style: chr11-68784901-C-T. GRCh37 (hg19) VCF-style: chr11-68552369-C-T.
Other names: c.1077G>A, p.Met359Ile (NM_001031847.3); short protein forms M359I.
Identifiers: ClinVar variation 618044 (VCV000618044.9), dbSNP rs1432015707, ClinGen allele CA381633286.

ClinVar aggregate classification (germline): Uncertain significance. Review status: criteria provided, single submitter (1 of 4 stars). 2 submissions from 2 submitters: Uncertain significance (1). 1 of the submissions does not count toward it. Last evaluated 2017-06-19.

Conditions:
Carnitine palmitoyl transferase 1A deficiency. Also called: CPT deficiency, hepatic, type IA; CPT I DEFICIENCY; CPT DEFICIENCY, HEPATIC, TYPE I; Carnitine palmitoyltransferase type I deficiency; Carnitine palmitoyltransferase 1A deficiency. Identifiers: Orphanet 156, MedGen C1829703, MONDO:0009705, OMIM 255120.

Allele frequency attached by ClinVar (database versions not stated): gnomAD exomes below 0.00001.
gnomAD v4.1: 4 of 1,614,114 alleles (0.00025%); highest among the groups gnomAD compares: South Asian, 0.0011%; no homozygotes.

Submissions (2):

ARUP Laboratories, Molecular Genetics and Genomics, ARUP Laboratories
Classification: Uncertain significance. Last evaluated: 2017-06-19. Review status: criteria provided, single submitter. Criteria: ARUP Molecular Germline Variant Investigation Process. Collection method: clinical testing. Allele origin: germline.
Comment: The p.Met359Ile variant has not been reported in the medical literature, is not listed in gene-specific variant databases, nor has it been previously identified in our laboratory. It is also absent from population databases such as 1000 Genomes, the NHLBI GO Exome Sequencing Project (ESP), and the Exome Aggregation Consortium (ExAC) browser. The methionine at codon 359 is weakly conserved considering 14 species (Alamut software v2.8.1), and several species of mammal have an isoleucine at this position, suggesting this change is evolutionary tolerated. Furthermore, computational analyses suggest this variant does not have a significant effect on CPT1A protein structure/function (SIFT: tolerated, PolyPhen2: benign, and Mutation Taster: polymorphism). However, based on the available information, the clinical significance of the p.Met359Ile variant cannot be determined with certainty.

Natera, Inc.
Classification: Uncertain significance for Carnitine palmitoyltransferase type I deficiency. Last evaluated: 2020-03-10. Review status: no assertion criteria provided. Collection method: clinical testing. Allele origin: germline. Not counted in ClinVar's aggregate classification.